The following is an entry in ClinVar:

NM_006015.6(ARID1A):c.2123A>C (p.Gln708Pro)

Gene: ARID1A (AT-rich interaction domain 1A; plus strand). Cytogenetic location: 1p36.11.
Variant type: single nucleotide variant.
Coding change: c.2123A>C on transcript NM_006015.6 (MANE Select); coding-DNA position 2123, A replaced by C.
Protein change: p.Gln708Pro; replaces glutamine 708 with proline.
Molecular consequence: missense variant.
Genome position (GRCh38, 1-based): chr1:26,761,058, A>C. VCF-style: chr1-26761058-A-C. GRCh37 (hg19) VCF-style: chr1-27087549-A-C.
Other names: c.2123A>C (LRG_875t1); c.2123A>C, p.Gln708Pro (NM_139135.4); short protein forms Q708P.
Identifiers: ClinVar variation 133556 (VCV000133556.41), dbSNP rs367889013, ClinGen allele CA156939.

ClinVar aggregate classification (germline): Benign/Likely benign. Review status: criteria provided, multiple submitters, no conflicts (2 of 4 stars). 6 submissions from 6 submitters: Benign (4); Likely benign (1). 1 of the submissions does not count toward it. Last evaluated 2026-01-29.

Conditions:
Intellectual disability, autosomal dominant 14 (CSS2). Also called: COFFIN-SIRIS SYNDROME 2. Identifiers: Orphanet 1465, MedGen C3553247, MONDO:0013819, OMIM 614607.

Allele frequency attached by ClinVar (database versions not stated): gnomAD 0.00006 and 0.00086; TOPMed 0.00019; gnomAD exomes 0.00152 and 0.00315; ExAC 0.00325; 1000 Genomes Project 0.00459; 1000 Genomes Project 30x 0.00547.
gnomAD v4.1: 2,350 of 1,614,050 alleles (0.15%); highest among the groups gnomAD compares: South Asian, 2.4%; 44 homozygotes.

Submissions (6):

Labcorp Genetics (formerly Invitae), Labcorp
Classification: Benign. Last evaluated: 2026-01-29. Review status: criteria provided, single submitter. Criteria: Invitae Variant Classification Sherloc (09022015). Collection method: clinical testing. Allele origin: germline.

CeGaT Center for Human Genetics Tuebingen
Classification: Benign. Last evaluated: 2024-08-01. Review status: criteria provided, single submitter. Criteria: CeGaT Center For Human Genetics Tuebingen Variant Classification Criteria Version 2. Collection method: clinical testing. Allele origin: germline. Affected: yes. Observed: 4 variant alleles.
Comment: ARID1A: BS1, BS2

Genome-Nilou Lab
Classification: Benign for Intellectual disability, autosomal dominant 14. Last evaluated: 2021-12-05. Review status: criteria provided, single submitter. Criteria: ACMG Guidelines, 2015. Collection method: clinical testing. Allele origin: germline. Affected: no.

Genetic Services Laboratory, University of Chicago
Classification: Likely benign. Last evaluated: 2016-07-14. Review status: criteria provided, single submitter. Criteria: ACMG Guidelines, 2015. Collection method: clinical testing. Allele origin: germline. Affected: no.

Center for Pediatric Genomic Medicine, Children's Mercy Hospital and Clinics
Classification: Benign. Last evaluated: 2016-02-08. Review status: criteria provided, single submitter. Criteria: ACMG Guidelines, 2015. Collection method: clinical testing. Allele origin: germline.

ITMI
No classification provided. Condition: AllHighlyPenetrant. Last evaluated: 2013-09-19. Review status: no classification provided. Collection method: reference population. Allele origin: germline. Not counted in ClinVar's aggregate classification.
Comment: Please see associated publication for description of ethnicities

Literature cited by the submitters: PubMed 24728327 (cited by ITMI).